The following is an entry in ClinVar:

NM_205836.3(FBXO38):c.2889G>C (p.Lys963Asn)

Gene: FBXO38 (F-box protein 38; plus strand). Cytogenetic location: 5q32.
Variant type: single nucleotide variant.
Coding change: c.2889G>C on transcript NM_205836.3 (MANE Select); coding-DNA position 2889, G replaced by C.
Protein change: p.Lys963Asn; replaces lysine 963 with asparagine.
Molecular consequence: missense variant.
Genome position (GRCh38, 1-based): chr5:148,438,363, G>C. VCF-style: chr5-148438363-G-C. GRCh37 (hg19) VCF-style: chr5-147817926-G-C.
Other names: p.Lys888Asn; c.2154G>C, p.Lys718Asn (NM_001271723.2); c.2664G>C, p.Lys888Asn (NM_030793.5); short protein forms K888N, K718N, K963N.
Identifiers: ClinVar variation 581512 (VCV000581512.15), dbSNP rs371555180, ClinGen allele CA3497626.

ClinVar aggregate classification (germline): Conflicting classifications of pathogenicity. Review status: criteria provided, conflicting classifications (1 of 4 stars). 5 submissions from 5 submitters: Uncertain significance (1); Likely benign (4). Last evaluated 2026-01-16.

Conditions:
FBXO38-related disorder. Also called: FBXO38-related condition.
Distal hereditary motor neuropathy type 2. Identifiers: Orphanet 139525, MedGen C3711384, MeSH C580044, MONDO:0015352.

Allele frequency attached by ClinVar (database versions not stated): gnomAD 0.00038 and 0.00039; 1000 Genomes Project 0.00040; 1000 Genomes Project 30x 0.00047; ESP Exome Variant Server 0.00015; ExAC 0.00019; gnomAD exomes 0.00022; TOPMed 0.00034.
gnomAD v4.1: 649 of 1,613,804 alleles (0.04%); highest among the groups gnomAD compares: Non-Finnish European, 0.049%; no homozygotes.

Submissions (5):

Labcorp Genetics (formerly Invitae), Labcorp
Classification: Likely benign for Distal hereditary motor neuropathy type 2. Last evaluated: 2026-01-16. Review status: criteria provided, single submitter. Criteria: Invitae Variant Classification Sherloc (09022015). Collection method: clinical testing. Allele origin: germline.

GeneDx
Classification: Uncertain significance. Last evaluated: 2025-07-30. Review status: criteria provided, single submitter. Criteria: GeneDx Variant Classification Process June 2021. Collection method: clinical testing. Allele origin: germline.
Comment: Has not been previously published as pathogenic or benign to our knowledge; In silico analysis supports that this missense variant has a deleterious effect on protein structure/function

PreventionGenetics, part of Exact Sciences
Classification: Likely benign for FBXO38-related condition. Last evaluated: 2025-04-24. Review status: criteria provided, single submitter. Criteria: ACMG Guidelines, 2015. Collection method: clinical testing. Allele origin: germline.
Comment: This variant is classified as likely benign based on ACMG/AMP sequence variant interpretation guidelines (Richards et al. 2015 PMID: 25741868, with internal and published modifications).

Mayo Clinic Laboratories, Mayo Clinic
Classification: Likely benign. Last evaluated: 2025-04-09. Review status: criteria provided, single submitter. Criteria: ACMG Guidelines, 2015. Collection method: clinical testing. Allele origin: germline. Observed: 1 variant allele.
Comment: BS2, BP4_moderate

Ambry Genetics
Classification: Likely benign. Last evaluated: 2020-03-04. Review status: criteria provided, single submitter. Criteria: Ambry Variant Classification Scheme 2023. Collection method: clinical testing. Allele origin: germline.